The following is an entry in ClinVar:

ClinVar aggregate classification (germline): Uncertain significance (1 of 4 stars; one submission).

Conditions:
Inborn genetic diseases. Identifiers: MedGen C0950123, MeSH D030342.

gnomAD v4.1: 2 of 1,614,192 alleles (0.00012%); highest among the groups gnomAD compares: Non-Finnish European, 0.000085%; no homozygotes.

Submission:

Ambry Genetics
Classification: Uncertain significance for Inborn genetic diseases. Last evaluated: 2025-01-06. Review status: criteria provided, single submitter. Criteria: Ambry Variant Classification Scheme 2023. Collection method: clinical testing. Allele origin: germline.
Comment: The p.G263A variant (also known as c.788G>C), located in coding exon 6 of the BMPR2 gene, results from a G to C substitution at nucleotide position 788. The glycine at codon 263 is replaced by alanine, an amino acid with similar properties. This amino acid position is conserved. In addition, this alteration is predicted to be tolerated by in silico analysis. Based on the available evidence, the clinical significance of this variant remains unclear.

NM_001204.7(BMPR2):c.788G>C (p.Gly263Ala)

Gene: BMPR2 (bone morphogenetic protein receptor type 2; plus strand). Cytogenetic location: 2q33.2.
Variant type: single nucleotide variant.
Coding change: c.788G>C on transcript NM_001204.7 (MANE Select); coding-DNA position 788, G replaced by C.
Protein change: p.Gly263Ala; replaces glycine 263 with alanine.
Molecular consequence: missense variant.
Genome position (GRCh38, 1-based): chr2:202,518,988, G>C. VCF-style: chr2-202518988-G-C. GRCh37 (hg19) VCF-style: chr2-203383711-G-C.
Other names: short protein forms G263A.
Identifiers: ClinVar variation 3824818 (VCV003824818.1).
Genomic context (GRCh38, chr2:202,518,988, plus strand): 5'-AAAAGAACATTTACAGAGTGCCTTTGATGGAACATGACAACATTGCCCGCTTTATAGTTG[G>C]AGATGAGAGAGTCACTGCAGATGGACGCATGGAATATTTGCTTGTGATGGAGTACTATCC-3'
Protein context (NP_001195.2, residues 253-273): EHDNIARFIV[Gly263Ala]DERVTADGRM